The following is an entry in ClinVar:

NM_001372.4(DNAH9):c.4018G>A (p.Ala1340Thr)

Gene: DNAH9 (dynein axonemal heavy chain 9; plus strand). Cytogenetic location: 17p12.
Variant type: single nucleotide variant.
Coding change: c.4018G>A on transcript NM_001372.4 (MANE Select); coding-DNA position 4018, G replaced by A.
Protein change: p.Ala1340Thr; replaces alanine 1340 with threonine.
Molecular consequence: missense variant.
Genome position (GRCh38, 1-based): chr17:11,689,840, G>A. VCF-style: chr17-11689840-G-A. GRCh37 (hg19) VCF-style: chr17-11593157-G-A.
Other names: short protein forms A1340T.
Identifiers: ClinVar variation 3689420 (VCV003689420.2).

ClinVar aggregate classification (germline): Uncertain significance (1 of 4 stars; one submission).

gnomAD v4.1: 2 of 1,612,972 alleles (0.00012%); highest among the groups gnomAD compares: Non-Finnish European, 0.00017%; no homozygotes.

Submission:

Labcorp Genetics (formerly Invitae), Labcorp
Classification: Uncertain significance. Last evaluated: 2024-10-27. Review status: criteria provided, single submitter. Criteria: Invitae Variant Classification Sherloc (09022015). Collection method: clinical testing. Allele origin: germline.
Comment: This sequence change replaces alanine, which is neutral and non-polar, with threonine, which is neutral and polar, at codon 1340 of the DNAH9 protein (p.Ala1340Thr). This variant is present in population databases (no rsID available, gnomAD 0.0009%). This variant has not been reported in the literature in individuals affected with DNAH9-related conditions. Invitae Evidence Modeling of protein sequence and biophysical properties (such as structural, functional, and spatial information, amino acid conservation, physicochemical variation, residue mobility, and thermodynamic stability) indicates that this missense variant is not expected to disrupt DNAH9 protein function with a negative predictive value of 80%. In summary, the available evidence is currently insufficient to determine the role of this variant in disease. Therefore, it has been classified as a Variant of Uncertain Significance.